The following is an entry in ClinVar:

NM_138576.4(BCL11B):c.1784T>C (p.Leu595Pro)

Gene: BCL11B (BCL11 transcription factor B; minus strand). Cytogenetic location: 14q32.2.
Variant type: single nucleotide variant.
Coding change: c.1784T>C on transcript NM_138576.4 (MANE Select); coding-DNA position 1784, T replaced by C.
Protein change: p.Leu595Pro; replaces leucine 595 with proline.
Molecular consequence: missense variant.
Genome position (GRCh38, 1-based): chr14:99,175,052, A>G on the plus strand (T>C on the coding strand, the complement: BCL11B is on the minus strand). VCF-style: chr14-99175052-A-G. GRCh37 (hg19) VCF-style: chr14-99641389-A-G.
Other names: c.1781T>C, p.Leu594Pro (NM_001282237.2); c.1568T>C, p.Leu523Pro (NM_001282238.2); c.1571T>C, p.Leu524Pro (NM_022898.3); short protein forms L523P, L524P, L594P, L595P.
Identifiers: ClinVar variation 3480116 (VCV003480116.2).

ClinVar aggregate classification (germline): Uncertain significance. Review status: criteria provided, multiple submitters, no conflicts (2 of 4 stars). 2 submissions from 2 submitters: Uncertain significance (2). Last evaluated 2025-12-23.

Conditions:
Inborn genetic diseases. Identifiers: MedGen C0950123, MeSH D030342.

Submissions (2):

Labcorp Genetics (formerly Invitae), Labcorp
Classification: Uncertain significance. Last evaluated: 2025-12-23. Review status: criteria provided, single submitter. Criteria: Invitae Variant Classification Sherloc (09022015). Collection method: clinical testing. Allele origin: germline.
Comment: This sequence change replaces leucine, which is neutral and non-polar, with proline, which is neutral and non-polar, at codon 595 of the BCL11B protein (p.Leu595Pro). This variant is not present in population databases (gnomAD no frequency). This variant has not been reported in the literature in individuals affected with BCL11B-related conditions. ClinVar contains an entry for this variant (Variation ID: 3480116). Invitae Evidence Modeling of protein sequence and biophysical properties (such as structural, functional, and spatial information, amino acid conservation, physicochemical variation, residue mobility, and thermodynamic stability) indicates that this missense variant is not expected to disrupt BCL11B protein function with a negative predictive value of 95%. In summary, the available evidence is currently insufficient to determine the role of this variant in disease. Therefore, it has been classified as a Variant of Uncertain Significance.

Ambry Genetics
Classification: Uncertain significance for Inborn genetic diseases. Last evaluated: 2024-11-25. Review status: criteria provided, single submitter. Criteria: Ambry Variant Classification Scheme 2023. Collection method: clinical testing. Allele origin: germline.